The following is an entry in ClinVar:

NM_000441.2(SLC26A4):c.1979T>A (p.Leu660His)

Gene: SLC26A4 (solute carrier family 26 member 4; plus strand). Cytogenetic location: 7q22.3.
Variant type: single nucleotide variant.
Coding change: c.1979T>A on transcript NM_000441.2 (MANE Select); coding-DNA position 1979, T replaced by A.
Protein change: p.Leu660His; replaces leucine 660 with histidine.
Molecular consequence: missense variant.
Genome position (GRCh38, 1-based): chr7:107,702,002, T>A. VCF-style: chr7-107702002-T-A. GRCh37 (hg19) VCF-style: chr7-107342447-T-A.
Other names: short protein forms L660H.
Identifiers: ClinVar variation 3601756 (VCV003601756.1).

ClinVar aggregate classification (germline): Likely pathogenic (1 of 4 stars; one submission).

Conditions:
Autosomal recessive nonsyndromic hearing loss 4 (DFNB4). Also called: Deafness, autosomal recessive 4; FOXI1-Related Pendred Syndrome; KCNJ10-Related Pendred Syndrome; DEAFNESS, AUTOSOMAL RECESSIVE 4, WITH ENLARGED VESTIBULAR AQUEDUCT, DIGENIC; NEUROSENSORY NONSYNDROMIC RECESSIVE DEAFNESS 4; Nonsyndromic enlarged vestibular aqueduct (NSEVA). Identifiers: Orphanet 90636, MedGen C3538946, MONDO:0010933, OMIM 600791.

Submission:

Institute of Rare Diseases, West China Hospital, Sichuan University
Classification: Likely pathogenic for Autosomal recessive nonsyndromic hearing loss 4. Last evaluated: 2025-01-09. Review status: criteria provided, single submitter. Criteria: ClinGen HL ACMG Specifications v1. Collection method: research. Allele origin: germline. Affected: yes.
Comment: PM3;PM5;PM2_Supporting;PP1_Moderate;PP3